The following is an entry in ClinVar:

ClinVar aggregate classification (germline): Uncertain significance (1 of 4 stars; one submission).

Conditions:
Hereditary cancer-predisposing syndrome. Also called: Neoplastic Syndromes, Hereditary; Tumor predisposition; Hereditary neoplastic syndrome; Hereditary Cancer Syndrome. Identifiers: Orphanet 140162, MedGen C0027672, MeSH D009386, MONDO:0015356.

Submission:

Ambry Genetics
Classification: Uncertain significance for Hereditary cancer-predisposing syndrome. Last evaluated: 2026-07-07. Review status: criteria provided, single submitter. Criteria: Ambry Variant Classification Scheme 2023. Collection method: clinical testing. Allele origin: germline.
Comment: The p.F1216V variant (also known as c.3646T>G), located in coding exon 18 of the MET gene, results from a T to G substitution at nucleotide position 3646. The phenylalanine at codon 1216 is replaced by valine, an amino acid with highly similar properties. This amino acid position is conserved. In addition, the in silico prediction for this alteration is inconclusive. Based on the available evidence, the clinical significance of this variant remains unclear.

NM_000245.4(MET):c.3646T>G (p.Phe1216Val)

Gene: MET (MET proto-oncogene, receptor tyrosine kinase; plus strand). Cytogenetic location: 7q31.2.
Variant type: single nucleotide variant.
Coding change: c.3646T>G on transcript NM_000245.4 (MANE Select); coding-DNA position 3646, T replaced by G.
Protein change: p.Phe1216Val; replaces phenylalanine 1216 with valine.
Molecular consequence: missense variant.
Genome position (GRCh38, 1-based): chr7:116,783,317, T>G. VCF-style: chr7-116783317-T-G. GRCh37 (hg19) VCF-style: chr7-116423371-T-G.
Other names: c.3700T>G, p.Phe1234Val (NM_001127500.3); c.2356T>G, p.Phe786Val (NM_001324402.2); short protein forms F1234V, F1216V, F786V.
Identifiers: ClinVar variation 5024395 (VCV005024395.1).